The following is an entry in ClinVar:

ClinVar aggregate classification (germline): Benign/Likely benign. Review status: criteria provided, multiple submitters, no conflicts (2 of 4 stars). 9 submissions from 7 submitters: Benign (1); Likely benign (8). Last evaluated 2026-04-27.

Conditions:
Amyotrophic lateral sclerosis type 5 (ALS5). Also called: AMYOTROPHIC LATERAL SCLEROSIS 5, JUVENILE. Identifiers: Orphanet 300605, MedGen C1865864, MONDO:0011196, OMIM 602099.
Charcot-Marie-Tooth disease axonal type 2X. Also called: CHARCOT-MARIE-TOOTH DISEASE, AXONAL, AUTOSOMAL RECESSIVE, TYPE 2X; CHARCOT-MARIE-TOOTH NEUROPATHY, TYPE 2X. Identifiers: Orphanet 466775, MedGen C5569024, MONDO:0014726, OMIM 616668.
Hereditary spastic paraplegia 11. Also called: Spastic paraplegia, mental retardation and thin corpus callosum; Spastic Paraplegia 11; SPASTIC PARAPLEGIA, AUTOSOMAL RECESSIVE, COMPLICATED, WITH THIN CORPUS CALLOSUM; SPASTIC PARAPLEGIA, AUTOSOMAL RECESSIVE, WITH MENTAL IMPAIRMENT AND THIN CORPUS CALLOSUM; Nakamura Osame syndrome; Autosomal recessive hereditary spastic paraplegia, mental impairment, and thin corpus callosum. Identifiers: Orphanet 2822, MedGen C1858479, MONDO:0011445, OMIM 604360.
Inborn genetic diseases. Identifiers: MedGen C0950123, MeSH D030342.

Allele frequency attached by ClinVar (database versions not stated): gnomAD 0.00003; TOPMed 0.00005; 1000 Genomes Project 30x 0.00062; 1000 Genomes Project 0.00080; ExAC 0.00111.
gnomAD v4.1: 737 of 1,595,112 alleles (0.046%); highest among the groups gnomAD compares: South Asian, 0.78%; 10 homozygotes.

Submissions (9):

Women's Health and Genetics/Laboratory Corporation of America, LabCorp
Classification: Benign. Last evaluated: 2026-04-27. Review status: criteria provided, single submitter. Criteria: LabCorp Variant Classification Summary - May 2015. Collection method: clinical testing. Allele origin: germline.
Comment: Variant summary: SPG11 c.2377G>A (p.Val793Met) results in a conservative amino acid change in the encoded protein sequence. Algorithms developed to predict the effect of missense changes on protein structure and function are either unavailable or do not agree on the potential impact of this missense change. The variant allele was found at a frequency of 0.00094 in 250586 control chromosomes, predominantly at a frequency of 0.0077 within the South Asian subpopulation in the gnomAD database, including 1 homozygote. The observed variant frequency within South Asian control individuals in the gnomAD database exceeds the estimated maximal expected allele frequency for disease-causing variants in SPG11, providing supporting evidence for a benign role. c.2377G>A has been observed in individual(s) affected with Hereditary spastic paraplegia 11, however in co-occurrence with another homozygous pathogenic variant (SPG11, p.W89X) (e.g. Paisan-Ruiz_2008), providing additional supporting evidence for a benign role. To our knowledge, no experimental evidence demonstrating an impact on protein function has been reported. The following publication has been ascertained in the context of this evaluation (PMID: 18337587). ClinVar contains an entry for this variant (Variation ID: 695211). Based on the evidence outlined above, the variant was classified as benign.

Labcorp Genetics (formerly Invitae), Labcorp
Classification: Likely benign for Hereditary spastic paraplegia 11. Last evaluated: 2026-01-22. Review status: criteria provided, single submitter. Criteria: Invitae Variant Classification Sherloc (09022015). Collection method: clinical testing. Allele origin: germline.

CeGaT Center for Human Genetics Tuebingen
Classification: Likely benign. Last evaluated: 2022-08-01. Review status: criteria provided, single submitter. Criteria: CeGaT Center For Human Genetics Tuebingen Variant Classification Criteria Version 2. Collection method: clinical testing. Allele origin: germline. Affected: yes. Observed: 1 variant allele.
Comment: SPG11: BS2

Fulgent Genetics
Classification: Likely benign for Amyotrophic lateral sclerosis type 5; Hereditary spastic paraplegia 11; Charcot-Marie-Tooth disease axonal type 2X. Last evaluated: 2021-11-04. Review status: criteria provided, single submitter. Criteria: ACMG Guidelines, 2015. Collection method: clinical testing. Allele origin: unknown.

Ambry Genetics
Classification: Likely benign for Inborn genetic diseases. Last evaluated: 2020-08-17. Review status: criteria provided, single submitter. Criteria: Ambry Variant Classification Scheme 2023. Collection method: clinical testing. Allele origin: germline.

Illumina Laboratory Services, Illumina
Classification: Likely benign for Hereditary spastic paraplegia 11. Last evaluated: 2017-05-05. Review status: criteria provided, single submitter. Criteria: ICSL Variant Classification Criteria 13 December 2019. Collection method: clinical testing. Allele origin: germline.
Comment: This variant was observed as part of a predisposition screen in an ostensibly healthy population. A literature search was performed for the gene, cDNA change, and amino acid change (where applicable). Publications were found based on this search. The evidence from the literature, in combination with allele frequency data from public databases where available, was sufficient to determine this variant is unlikely to cause disease. Therefore, this variant is classified as likely benign.

Genome-Nilou Lab
Classification: Likely benign for Amyotrophic lateral sclerosis type 5. Review status: criteria provided, single submitter. Criteria: ACMG Guidelines, 2015. Collection method: clinical testing. Allele origin: germline.

Genome-Nilou Lab
Classification: Likely benign for Charcot-Marie-Tooth disease axonal type 2X. Review status: criteria provided, single submitter. Criteria: ACMG Guidelines, 2015. Collection method: clinical testing. Allele origin: germline.

Genome-Nilou Lab
Classification: Likely benign for Hereditary spastic paraplegia 11. Review status: criteria provided, single submitter. Criteria: ACMG Guidelines, 2015. Collection method: clinical testing. Allele origin: germline.

Literature cited by the submitters: PubMed 18337587 (cited by Women's Health and Genetics/Laboratory Corporation of America, LabCorp and Illumina Laboratory Services, Illumina).

NM_025137.4(SPG11):c.2377G>A (p.Val793Met)

Gene: SPG11 (SPG11 vesicle trafficking associated, spatacsin; minus strand). Cytogenetic location: 15q21.1.
Variant type: single nucleotide variant.
Coding change: c.2377G>A on transcript NM_025137.4 (MANE Select); coding-DNA position 2377, G replaced by A.
Protein change: p.Val793Met; replaces valine 793 with methionine.
Molecular consequence: missense variant.
Genome position (GRCh38, 1-based): chr15:44,622,287, C>T on the plus strand (G>A on the coding strand, the complement: SPG11 is on the minus strand). VCF-style: chr15-44622287-C-T. GRCh37 (hg19) VCF-style: chr15-44914485-C-T.
Other names: c.2377G>A, p.Val793Met (NM_001160227.2); short protein forms V793M.
Identifiers: ClinVar variation 695211 (VCV000695211.49), dbSNP rs546601155, ClinGen allele CA7535265.
Genomic context (GRCh38, chr15:44,622,287, plus strand): 5'-ATGACTGGATTTGCATATTTTCTTGGAAATGTCCCAAATAAAGCTTCTCAACTTGATGCA[C>T]GAAGTCTATAGTTCTTTTCTCTTTTTCAGAAAAATAATTTTTTTCTTTTAAAATTTCAAC-3'
Protein context (NP_079413.3, residues 783-803): SEKEKRTIDF[Val793Met]HQVEKLYLGH